The following is an entry in ClinVar:

NM_001844.5(COL2A1):c.386G>A (p.Gly129Glu)

Gene: COL2A1 (collagen type II alpha 1 chain; minus strand). Cytogenetic location: 12q13.11.
Variant type: single nucleotide variant.
Coding change: c.386G>A on transcript NM_001844.5 (MANE Select); coding-DNA position 386, G replaced by A.
Protein change: p.Gly129Glu; replaces glycine 129 with glutamic acid.
Molecular consequence: missense variant.
Genome position (GRCh38, 1-based): chr12:47,997,914, C>T on the plus strand (G>A on the coding strand, the complement: COL2A1 is on the minus strand). VCF-style: chr12-47997914-C-T. GRCh37 (hg19) VCF-style: chr12-48391697-C-T.
Other names: c.179G>A, p.Gly60Glu (NM_033150.3); short protein forms G129E, G60E.
Identifiers: ClinVar variation 3776376 (VCV003776376.1).

ClinVar aggregate classification (germline): Uncertain significance (1 of 4 stars; one submission).

Submission:

GeneDx
Classification: Uncertain significance. Last evaluated: 2024-10-03. Review status: criteria provided, single submitter. Criteria: GeneDx Variant Classification Process June 2021. Collection method: clinical testing. Allele origin: germline. Affected: yes.
Comment: Not observed at significant frequency in large population cohorts (gnomAD); In silico analysis supports that this missense variant has a deleterious effect on protein structure/function; Has not been previously published as pathogenic or benign to our knowledge; Not located in the triple helical region, where the majority of pathogenic missense variants occur (Stenson et al., 2014)